The following is an entry in ClinVar:

ClinVar aggregate classification (germline): Likely benign (1 of 4 stars; one submission).

gnomAD v4.1: 3 of 1,008,674 alleles (0.0003%); highest among the groups gnomAD compares: Non-Finnish European, 0.00044%; no homozygotes.

Submission:

CeGaT Center for Human Genetics Tuebingen
Classification: Likely benign. Last evaluated: 2022-07-01. Review status: criteria provided, single submitter. Criteria: CeGaT Center For Human Genetics Tuebingen Variant Classification Criteria Version 2. Collection method: clinical testing. Allele origin: germline. Affected: yes. Observed: 1 variant allele.
Comment: KIF2A: PM2:Supporting, BP4, BP7

NM_001098511.3(KIF2A):c.1467+90C>T

Gene: KIF2A (kinesin family member 2A; plus strand). Cytogenetic location: 5q12.1.
Variant type: single nucleotide variant.
Coding change: c.1467+90C>T on transcript NM_001098511.3 (MANE Select); 90 bases into the intron after coding-DNA position 1467, C replaced by T.
Molecular consequence: intron variant.
Genome position (GRCh38, 1-based): chr5:62,363,989, C>T. VCF-style: chr5-62363989-C-T. GRCh37 (hg19) VCF-style: chr5-61659816-C-T.
Other names: c.1386+90C>T (NM_001243952.2); c.1467+90C>T (NM_004520.5); c.1410+90C>T (NM_001243953.2).
Identifiers: ClinVar variation 2655487 (VCV002655487.24), dbSNP rs890985718, ClinGen allele CA1550650349.
Genomic context (GRCh38, chr5:62,363,989, plus strand): 5'-TCTTTTACTTTTGACTTTAATTTTCTTTACTCAGTTGCAAAATAGTAGTACTTGTTTTAC[C>T]TAATAAAAAGAGGTTTTCAAAATTCAGATGCTTGTAATGTATAGTGTGATTTTATTATAC-3'